The following is an entry in ClinVar:

ClinVar aggregate classification (germline): Likely benign. Review status: criteria provided, single submitter (1 of 4 stars). 2 submissions from 2 submitters: Likely benign (1). 1 of the submissions does not count toward it. Last evaluated 2020-03-30.

Conditions:
Multiple congenital anomalies/dysmorphic syndrome. Identifiers: Orphanet 68341, MedGen C5681310, MONDO:0019042.
CREBBP-related disorder. Also called: CREBBP-related condition; CREBBP-related disorders.

gnomAD v4.1: 33 of 1,614,056 alleles (0.002%); highest among the groups gnomAD compares: Non-Finnish European, 0.0027%; no homozygotes.

Submissions (2):

Cambridge Genomics Laboratory, East Genomic Laboratory Hub, NHS Genomic Medicine Service
Classification: Likely benign for Multiple congenital anomalies/dysmorphic syndrome. Last evaluated: 2020-03-30. Review status: criteria provided, single submitter. Criteria: ACGS Best Practice Guidelines for Variant Classification in Rare Disease 2020. Collection method: clinical testing. Allele origin: germline. Affected: yes. Observed: 1 variant allele.

PreventionGenetics, part of Exact Sciences
Classification: Uncertain significance for CREBBP-related condition. Last evaluated: 2024-01-03. Review status: no assertion criteria provided. Collection method: clinical testing. Allele origin: germline. Not counted in ClinVar's aggregate classification.
Comment: The CREBBP c.1624C>T variant is predicted to result in the amino acid substitution p.Pro542Ser. To our knowledge, this variant has not been reported in the literature. This variant is reported in 0.0029% of alleles in individuals of Latino descent in gnomAD. At this time, the clinical significance of this variant is uncertain due to the absence of conclusive functional and genetic evidence.

NM_004380.3(CREBBP):c.1624C>T (p.Pro542Ser)

Gene: CREBBP (CREB binding lysine acetyltransferase; minus strand). Cytogenetic location: 16p13.3.
Variant type: single nucleotide variant.
Coding change: c.1624C>T on transcript NM_004380.3 (MANE Select); coding-DNA position 1624, C replaced by T.
Protein change: p.Pro542Ser; replaces proline 542 with serine.
Molecular consequence: missense variant.
Genome position (GRCh38, 1-based): chr16:3,781,256, G>A on the plus strand (C>T on the coding strand, the complement: CREBBP is on the minus strand). VCF-style: chr16-3781256-G-A. GRCh37 (hg19) VCF-style: chr16-3831257-G-A.
Other names: c.1510C>T, p.Pro504Ser (NM_001079846.1); short protein forms P504S, P542S.
Identifiers: ClinVar variation 3350676 (VCV003350676.2).